The following is an entry in ClinVar:

NM_015466.4(PTPN23):c.4714C>A (p.Pro1572Thr)

Gene: PTPN23 (protein tyrosine phosphatase non-receptor type 23; plus strand). Cytogenetic location: 3p21.31.
Variant type: single nucleotide variant.
Coding change: c.4714C>A on transcript NM_015466.4 (MANE Select); coding-DNA position 4714, C replaced by A.
Protein change: p.Pro1572Thr; replaces proline 1572 with threonine.
Molecular consequence: missense variant.
Genome position (GRCh38, 1-based): chr3:47,412,988, C>A. VCF-style: chr3-47412988-C-A. GRCh37 (hg19) VCF-style: chr3-47454478-C-A.
Other names: c.4336C>A, p.Pro1446Thr (NM_001304482.2); short protein forms P1446T, P1572T.
Identifiers: ClinVar variation 1997534 (VCV001997534.4), dbSNP rs749411789, ClinGen allele CA352568439.
Genomic context (GRCh38, chr3:47,412,988, plus strand): 5'-CTACCTGAGGCTCCCCAGCCTAAGGAGGAGCCGCCAGTGCCTGAAGCCCCCAGCTCGGGG[C>A]CCCCCTCCTCCTCCCTGGAATTGCTGGCCTCCTTGACCCCAGAGGCCTTCTCCCTGGACA-3'
Protein context (NP_056281.1, residues 1562-1582): PPVPEAPSSG[Pro1572Thr]PSSSLELLAS

ClinVar aggregate classification (germline): Uncertain significance (1 of 4 stars; one submission).

Submission:

Labcorp Genetics (formerly Invitae), Labcorp
Classification: Uncertain significance. Last evaluated: 2022-05-25. Review status: criteria provided, single submitter. Criteria: Invitae Variant Classification Sherloc (09022015). Collection method: clinical testing. Allele origin: germline.
Comment: In summary, the available evidence is currently insufficient to determine the role of this variant in disease. Therefore, it has been classified as a Variant of Uncertain Significance. Algorithms developed to predict the effect of missense changes on protein structure and function are either unavailable or do not agree on the potential impact of this missense change (SIFT: "Deleterious"; PolyPhen-2: "Not Available"; Align-GVGD: "Class C0"). This variant has not been reported in the literature in individuals affected with PTPN23-related conditions. This variant is not present in population databases (gnomAD no frequency). This sequence change replaces proline, which is neutral and non-polar, with threonine, which is neutral and polar, at codon 1572 of the PTPN23 protein (p.Pro1572Thr).